The following is an entry in ClinVar:

NM_001384474.1(LOXHD1):c.2641G>C (p.Gly881Arg)

Gene: LOXHD1 (lipoxygenase homology PLAT domains 1; minus strand). Cytogenetic location: 18q21.1.
Variant type: single nucleotide variant.
Coding change: c.2641G>C on transcript NM_001384474.1 (MANE Select); coding-DNA position 2641, G replaced by C.
Protein change: p.Gly881Arg; replaces glycine 881 with arginine.
Molecular consequence: missense variant.
Genome position (GRCh38, 1-based): chr18:46,560,503, C>G on the plus strand (G>C on the coding strand, the complement: LOXHD1 is on the minus strand). VCF-style: chr18-46560503-C-G. GRCh37 (hg19) VCF-style: chr18-44140466-C-G.
Other names: c.2641G>C (NM_144612.6); c.2641G>C, p.Gly881Arg (NM_144612.7); short protein forms G881R.
Identifiers: ClinVar variation 4081720 (VCV004081720.2).
Genomic context (GRCh38, chr18:46,560,503, plus strand): 5'-GGTGCCGCAGCCACACGGTGTCCACGAACCAGCTGGGCCCAAAGCCCTCGCCCGTGTGCC[C>G]GAGCCGGAGCTTATAGACCTCGCCCACGTCGGCCGCCTCAAGCTGTTCAAAGGGCAGGGC-3'
Protein context (NP_001371403.1, residues 871-891): DVGEVYKLRL[Gly881Arg]HTGEGFGPSW

ClinVar aggregate classification (germline): Likely pathogenic. Review status: criteria provided, multiple submitters, no conflicts (2 of 4 stars). 2 submissions from 2 submitters: Likely pathogenic (2). Last evaluated 2025-10-21.

Conditions:
Autosomal recessive nonsyndromic hearing loss 77. Identifiers: Orphanet 90636, MedGen C2746083, MONDO:0013119, OMIM 613079.

gnomAD v4.1: 3 of 1,537,114 alleles (0.0002%); highest among the groups gnomAD compares: Non-Finnish European, 0.00026%; no homozygotes.

Submissions (2):

Natera, Inc.
Classification: Likely pathogenic for Autosomal recessive deafness type 77. Last evaluated: 2025-10-21. Review status: criteria provided, single submitter. Criteria: Natera Variant Classification Schema (03/2026). Collection method: clinical testing. Allele origin: germline.
Comment: The c.2641G>C variant in LOXHD1 is a missense variant predicted to cause substitution of glycine to arginine at amino acid 881. This variant is rare in the general population with a frequency below the threshold expected for the associated phenotype(s). This variant has been observed in one or more individuals affected with the associated recessive disease, as either homozygous or compound heterozygous with a second variant (PMID: 33753533). Another variant at this same site results in an alteration predicted to cause a similar molecular effect has been observed in individual(s) with the associated phenotype. Computational prediction algorithms indicate this variant is likely to affect gene or protein function. Given the available evidence, this variant is classified as Likely Pathogenic.

Myriad Genetics, Inc.
Classification: Likely pathogenic for Autosomal recessive nonsyndromic hearing loss 77. Last evaluated: 2025-07-03. Review status: criteria provided, single submitter. Criteria: Myriad Autosomal Dominant, Autosomal Recessive and X-Linked Classification Criteria (2023). Collection method: clinical testing. Allele origin: unknown.
Comment: NM_144612.6(LOXHD1):c.2641G>C(G881R) is a missense variant classified as likely pathogenic in the context of nonsyndromic hearing loss, LOXHD1-related. G881R has been observed in a case with relevant disease (PMID: 34593925). Relevant functional assessments of this variant are not available in the literature. G881R has not been observed in referenced population frequency databases. In summary, NM_144612.6(LOXHD1):c.2641G>C(G881R) is a missense variant that has been observed more frequently in cases with the relevant disease than in healthy populations. Please note: this variant was assessed in the context of healthy population screening.

Literature cited by the submitters: PubMed 33753533 (cited by Natera, Inc.); PubMed 34593925 (cited by Myriad Genetics, Inc.).